The following is an entry in ClinVar:

NM_015512.5(DNAH1):c.6895C>G (p.Pro2299Ala)

Gene: DNAH1 (dynein axonemal heavy chain 1; plus strand). Cytogenetic location: 3p21.1.
Variant type: single nucleotide variant.
Coding change: c.6895C>G on transcript NM_015512.5 (MANE Select); coding-DNA position 6895, C replaced by G.
Protein change: p.Pro2299Ala; replaces proline 2299 with alanine.
Molecular consequence: missense variant.
Genome position (GRCh38, 1-based): chr3:52,372,963, C>G. VCF-style: chr3-52372963-C-G. GRCh37 (hg19) VCF-style: chr3-52406979-C-G.
Other names: short protein forms P2299A.
Identifiers: ClinVar variation 1998497 (VCV001998497.4), dbSNP rs2471237811, ClinGen allele CA353167231.

ClinVar aggregate classification (germline): Uncertain significance (1 of 4 stars; one submission).

Conditions:
Spermatogenic failure 18. Identifiers: MedGen C4539783, MONDO:0054615, OMIM 617576.
Ciliary dyskinesia, primary, 37 (CILD37). Also called: CILIARY DYSKINESIA, PRIMARY, 37, WITH OR WITHOUT SITUS INVERSUS. Identifiers: MedGen C4539798, MONDO:0033204, OMIM 617577.

Submission:

Labcorp Genetics (formerly Invitae), Labcorp
Classification: Uncertain significance for Ciliary dyskinesia, primary, 37; Spermatogenic failure 18. Last evaluated: 2022-05-25. Review status: criteria provided, single submitter. Criteria: Invitae Variant Classification Sherloc (09022015). Collection method: clinical testing. Allele origin: germline.
Comment: This variant is not present in population databases (gnomAD no frequency). This variant has not been reported in the literature in individuals affected with DNAH1-related conditions. This sequence change replaces proline, which is neutral and non-polar, with alanine, which is neutral and non-polar, at codon 2299 of the DNAH1 protein (p.Pro2299Ala). In summary, the available evidence is currently insufficient to determine the role of this variant in disease. Therefore, it has been classified as a Variant of Uncertain Significance. Algorithms developed to predict the effect of missense changes on protein structure and function are either unavailable or do not agree on the potential impact of this missense change (SIFT: "Deleterious"; PolyPhen-2: "Probably Damaging"; Align-GVGD: "Class C0").